The following is an entry in ClinVar:

ClinVar aggregate classification (germline): Uncertain significance. Review status: criteria provided, multiple submitters, no conflicts (2 of 4 stars). 3 submissions from 3 submitters: Uncertain significance (3). Last evaluated 2026-01-09.

Conditions:
Hereditary cancer-predisposing syndrome. Also called: Tumor predisposition; Hereditary Cancer Syndrome; Neoplastic Syndromes, Hereditary; Hereditary neoplastic syndrome. Identifiers: Orphanet 140162, MedGen C0027672, MeSH D009386, MONDO:0015356.

Submissions (3):

Ambry Genetics
Classification: Uncertain significance for Hereditary cancer-predisposing syndrome. Last evaluated: 2026-01-09. Review status: criteria provided, single submitter. Criteria: Ambry Variant Classification Scheme 2023. Collection method: clinical testing. Allele origin: germline.
Comment: The p.G433C variant (also known as c.1297G>T), located in coding exon 13 of the POLE gene, results from a G to T substitution at nucleotide position 1297. The glycine at codon 433 is replaced by cysteine, an amino acid with highly dissimilar properties. This amino acid position is highly conserved in available vertebrate species. In addition, the in silico prediction for this alteration is inconclusive. Based on the available evidence, the clinical significance of this variant remains unclear.

Labcorp Genetics (formerly Invitae), Labcorp
Classification: Uncertain significance. Last evaluated: 2025-11-25. Review status: criteria provided, single submitter. Criteria: Invitae Variant Classification Sherloc (09022015). Collection method: clinical testing. Allele origin: germline.
Comment: This sequence change replaces glycine, which is neutral and non-polar, with cysteine, which is neutral and slightly polar, at codon 433 of the POLE protein (p.Gly433Cys). This variant is not present in population databases (gnomAD no frequency). This variant has not been reported in the literature in individuals affected with POLE-related conditions. ClinVar contains an entry for this variant (Variation ID: 486096). Invitae Evidence Modeling of protein sequence and biophysical properties (such as structural, functional, and spatial information, amino acid conservation, physicochemical variation, residue mobility, and thermodynamic stability) indicates that this missense variant is not expected to disrupt POLE protein function with a negative predictive value of 80%. In summary, the available evidence is currently insufficient to determine the role of this variant in disease. Therefore, it has been classified as a Variant of Uncertain Significance.

GeneDx
Classification: Uncertain significance. Last evaluated: 2019-11-06. Review status: criteria provided, single submitter. Criteria: GeneDx Variant Classification Process June 2021. Collection method: clinical testing. Allele origin: germline. Affected: yes.
Comment: Not observed in large population cohorts (Lek 2016); In silico analysis, which includes protein predictors and evolutionary conservation, supports that this variant does not alter protein structure/function; Has not been previously published as pathogenic or benign to our knowledge

NM_006231.4(POLE):c.1297G>T (p.Gly433Cys)

Gene: POLE (DNA polymerase epsilon, catalytic subunit; minus strand). Cytogenetic location: 12q24.33.
Variant type: single nucleotide variant.
Coding change: c.1297G>T on transcript NM_006231.4 (MANE Select); coding-DNA position 1297, G replaced by T.
Protein change: p.Gly433Cys; replaces glycine 433 with cysteine.
Molecular consequence: missense variant.
Genome position (GRCh38, 1-based): chr12:132,673,637, C>A on the plus strand (G>T on the coding strand, the complement: POLE is on the minus strand). VCF-style: chr12-132673637-C-A. GRCh37 (hg19) VCF-style: chr12-133250223-C-A.
Other names: short protein forms G433C.
Identifiers: ClinVar variation 486096 (VCV000486096.18), dbSNP rs1190891892, ClinGen allele CA387359421.